The following is an entry in ClinVar:

NM_001134831.2(AHI1):c.1879G>C (p.Ala627Pro)

Gene: AHI1 (Abelson helper integration site 1; minus strand). Cytogenetic location: 6q23.3.
Variant type: single nucleotide variant.
Coding change: c.1879G>C on transcript NM_001134831.2 (MANE Select); coding-DNA position 1879, G replaced by C.
Protein change: p.Ala627Pro; replaces alanine 627 with proline.
Molecular consequence: missense variant.
Genome position (GRCh38, 1-based): chr6:135,442,615, C>G on the plus strand (G>C on the coding strand, the complement: AHI1 is on the minus strand). VCF-style: chr6-135442615-C-G. GRCh37 (hg19) VCF-style: chr6-135763753-C-G.
Other names: c.1879G>C, p.Ala627Pro (NM_001134830.2, NM_001134832.2, NM_001350503.2 and 2 more transcripts); short protein forms A627P.
Identifiers: ClinVar variation 2117044 (VCV002117044.4), dbSNP rs931423146, ClinGen allele CA365744482.

ClinVar aggregate classification (germline): Uncertain significance (1 of 4 stars; one submission).

Conditions:
Joubert syndrome. Also called: CEREBELLOPARENCHYMAL DISORDER IV; JOUBERT-BOLTSHAUSER SYNDROME; Familial aplasia of the vermis. Identifiers: Orphanet 475, MedGen C5979921, MONDO:0018772.

Submission:

Labcorp Genetics (formerly Invitae), Labcorp
Classification: Uncertain significance for Joubert syndrome. Last evaluated: 2022-03-26. Review status: criteria provided, single submitter. Criteria: Invitae Variant Classification Sherloc (09022015). Collection method: clinical testing. Allele origin: germline.
Comment: In summary, the available evidence is currently insufficient to determine the role of this variant in disease. Therefore, it has been classified as a Variant of Uncertain Significance. Advanced modeling of protein sequence and biophysical properties (such as structural, functional, and spatial information, amino acid conservation, physicochemical variation, residue mobility, and thermodynamic stability) performed at Invitae indicates that this missense variant is expected to disrupt AHI1 protein function. This variant has not been reported in the literature in individuals affected with AHI1-related conditions. This variant is not present in population databases (gnomAD no frequency). This sequence change replaces alanine, which is neutral and non-polar, with proline, which is neutral and non-polar, at codon 627 of the AHI1 protein (p.Ala627Pro).